The following is an entry in ClinVar:

ClinVar aggregate classification (germline): Uncertain significance (1 of 4 stars; one submission).

Conditions:
Neurodevelopmental disorder with hypotonia, impaired speech, and behavioral abnormalities (NEDHISB). Also called: GNAI1-Related Neurodevelopmental Disorder. Identifiers: MedGen C5676975, MONDO:0859243, OMIM 619854.

gnomAD v4.1: 6 of 1,610,178 alleles (0.00037%); highest among the groups gnomAD compares: South Asian, 0.0011%; no homozygotes.

Submission:

Neuberg Centre For Genomic Medicine, NCGM
Classification: Uncertain significance for Neurodevelopmental disorder with hypotonia, impaired speech, and behavioral abnormalities. Review status: criteria provided, single submitter. Criteria: ACMG Guidelines, 2015. Collection method: clinical testing. Allele origin: germline. Inheritance: Autosomal dominant inheritance. Affected: yes.
Comment: The observed missense variant c.302C>T(p.Ala101Val) in the GNAI1 gene has not been reported previously as a pathogenic variant nor as a benign variant, to our knowledge. This variant is absent in the gnomAD Exomes. The amino acid Ala at position 101 is changed to a Val changing protein sequence and it might alter its composition and physico-chemical properties. Computational evidence (Polyphen - Benign, SIFT - Tolerated and MutationTaster - Disease causing) predicts conflicting evidence on protein structure and function for this variant. The residue is conserved by GERP++ and PhyloP across 100 vertebrates. For these reasons, this variant has been classified as Uncertain Significance.

NM_002069.6(GNAI1):c.302C>T (p.Ala101Val)

Gene: GNAI1 (G protein subunit alpha i1; plus strand). Cytogenetic location: 7q21.11.
Variant type: single nucleotide variant.
Coding change: c.302C>T on transcript NM_002069.6 (MANE Select); coding-DNA position 302, C replaced by T.
Protein change: p.Ala101Val; replaces alanine 101 with valine.
Molecular consequence: missense variant.
Genome position (GRCh38, 1-based): chr7:80,189,230, C>T. VCF-style: chr7-80189230-C-T. GRCh37 (hg19) VCF-style: chr7-79818546-C-T.
Other names: c.146C>T, p.Ala49Val (NM_001256414.2); short protein forms A101V, A49V.
Identifiers: ClinVar variation 3731465 (VCV003731465.1).
Genomic context (GRCh38, chr7:80,189,230, plus strand): 5'-TTATTGCTATCATTAGGGCTATGGGGAGGTTGAAGATAGACTTTGGTGACTCAGCCCGGG[C>T]GGTAAGTTATTAAATTTGTTGGAGCTGACCTGATGGGTAAAAAGAATAACTTGTATGCTA-3'
Protein context (NP_002060.4, residues 91-111): LKIDFGDSAR[Ala101Val]DDARQLFVLA